The following is an entry in ClinVar:

ClinVar aggregate classification (germline): Likely benign (0 of 4 stars; one submission).

Conditions:
CFAP43-related disorder. Also called: CFAP43-related condition.

Allele frequency attached by ClinVar (database versions not stated): ExAC 0.00003; gnomAD 0.00004; gnomAD exomes 0.00005; ESP Exome Variant Server 0.00008; TOPMed 0.00011; 1000 Genomes Project 30x 0.00016; 1000 Genomes Project 0.00020.
gnomAD v4.1: 83 of 1,613,862 alleles (0.0051%); highest among the groups gnomAD compares: Admixed American, 0.025%; no homozygotes.

Submission:

PreventionGenetics, part of Exact Sciences
Classification: Likely benign for CFAP43-related condition. Last evaluated: 2019-11-12. Review status: no assertion criteria provided. Collection method: clinical testing. Allele origin: germline.
Comment: This variant is classified as likely benign based on ACMG/AMP sequence variant interpretation guidelines (Richards et al. 2015 PMID: 25741868, with internal and published modifications).

NM_025145.7(CFAP43):c.636C>T (p.Val212=)

Gene: CFAP43 (cilia and flagella associated protein 43; minus strand). Cytogenetic location: 10q25.1.
Variant type: single nucleotide variant.
Coding change: c.636C>T on transcript NM_025145.7 (MANE Select); coding-DNA position 636, C replaced by T.
Protein change: p.Val212=; no amino-acid change (valine 212 retained).
Molecular consequence: synonymous variant.
Genome position (GRCh38, 1-based): chr10:104,212,106, G>A on the plus strand (C>T on the coding strand, the complement: CFAP43 is on the minus strand). VCF-style: chr10-104212106-G-A. GRCh37 (hg19) VCF-style: chr10-105971864-G-A.
Identifiers: ClinVar variation 3045642 (VCV003045642.2), dbSNP rs371324791, ClinGen allele CA5681171.
Genomic context (GRCh38, chr10:104,212,106, plus strand): 5'-GGCTGACAGTGGCAGCACGGGACCATAGATGAGATCTTTCGGCAACGACTGGGGGAAAAC[G>A]ACATCCGTTTCATTAAAAAATGACCCATCTTCTAGAGGTAATTTCACCGACCTGTAGACA-3'
Protein context (NP_079421.5, residues 202-222): EDGSFFNETD[Val212=]VFPQSLPKDL